The following is an entry in ClinVar:

NM_006623.4(PHGDH):c.1258G>A (p.Glu420Lys)

Gene: PHGDH (phosphoglycerate dehydrogenase; plus strand). Cytogenetic location: 1p12.
Variant type: single nucleotide variant.
Coding change: c.1258G>A on transcript NM_006623.4 (MANE Select); coding-DNA position 1258, G replaced by A.
Protein change: p.Glu420Lys; replaces glutamic acid 420 with lysine.
Molecular consequence: missense variant.
Genome position (GRCh38, 1-based): chr1:119,742,855, G>A. VCF-style: chr1-119742855-G-A. GRCh37 (hg19) VCF-style: chr1-120285478-G-A.
Other names: short protein forms E420K.
Identifiers: ClinVar variation 633351 (VCV000633351.12), dbSNP rs140979375, ClinGen allele CA1037427.

ClinVar aggregate classification (germline): Uncertain significance. Review status: criteria provided, multiple submitters, no conflicts (2 of 4 stars). 5 submissions from 4 submitters: Uncertain significance (5). Last evaluated 2025-01-20.

Conditions:
Neu-Laxova syndrome 1 (NLS1). Identifiers: Orphanet 2671, Orphanet 583607, MedGen C4551478, MONDO:0009736, OMIM 256520. Disease mechanism: loss of function.
PHGDH deficiency. Identifiers: Orphanet 79351, MedGen C1866174, MONDO:0011152, OMIM 601815.

Allele frequency attached by ClinVar (database versions not stated): gnomAD exomes 0.00012 and 0.00030; ExAC 0.00013; TOPMed 0.00016; gnomAD 0.00019; ESP Exome Variant Server 0.00031.
gnomAD v4.1: 463 of 1,613,764 alleles (0.029%); highest among the groups gnomAD compares: Non-Finnish European, 0.037%; no homozygotes.

Submissions (5):

Labcorp Genetics (formerly Invitae), Labcorp
Classification: Uncertain significance for PHGDH deficiency. Last evaluated: 2025-01-20. Review status: criteria provided, single submitter. Criteria: Invitae Variant Classification Sherloc (09022015). Collection method: clinical testing. Allele origin: germline.
Comment: This sequence change replaces glutamic acid, which is acidic and polar, with lysine, which is basic and polar, at codon 420 of the PHGDH protein (p.Glu420Lys). This variant is present in population databases (rs140979375, gnomAD 0.02%). This variant has not been reported in the literature in individuals affected with PHGDH-related conditions. ClinVar contains an entry for this variant (Variation ID: 633351). Invitae Evidence Modeling of protein sequence and biophysical properties (such as structural, functional, and spatial information, amino acid conservation, physicochemical variation, residue mobility, and thermodynamic stability) indicates that this missense variant is expected to disrupt PHGDH protein function with a positive predictive value of 80%. In summary, the available evidence is currently insufficient to determine the role of this variant in disease. Therefore, it has been classified as a Variant of Uncertain Significance.

Genome-Nilou Lab
Classification: Uncertain significance for Neu-Laxova syndrome 1. Last evaluated: 2023-04-11. Review status: criteria provided, single submitter. Criteria: ACMG Guidelines, 2015. Collection method: clinical testing. Allele origin: germline. Affected: no.

Genome-Nilou Lab
Classification: Uncertain significance for PHGDH deficiency. Last evaluated: 2023-04-11. Review status: criteria provided, single submitter. Criteria: ACMG Guidelines, 2015. Collection method: clinical testing. Allele origin: germline. Affected: no.

Women's Health and Genetics/Laboratory Corporation of America, LabCorp
Classification: Uncertain significance. Last evaluated: 2023-01-05. Review status: criteria provided, single submitter. Criteria: LabCorp Variant Classification Summary - May 2015. Collection method: clinical testing. Allele origin: germline.
Comment: Variant summary: PHGDH c.1258G>A (p.Glu420Lys) results in a conservative amino acid change in the encoded protein sequence. Five of five in-silico tools predict a benign effect of the variant on protein function. The variant allele was found at a frequency of 0.00012 in 249932 control chromosomes. This frequency is not significantly higher than estimated for a pathogenic variant in PHGDH causing Phosphoglycerate Dehydrogenase Deficiency (0.00012 vs 0.0026), allowing no conclusion about variant significance. To our knowledge, no occurrence of c.1258G>A in individuals affected with Phosphoglycerate Dehydrogenase Deficiency and no experimental evidence demonstrating its impact on protein function have been reported. Two clinical diagnostic laboratories have submitted clinical-significance assessments for this variant to ClinVar after 2014 without evidence for independent evaluation. All laboratories classified the variant as uncertain significance. Based on the evidence outlined above, the variant was classified as uncertain significance.

Illumina Laboratory Services, Illumina
Classification: Uncertain significance for PHGDH deficiency. Last evaluated: 2018-01-12. Review status: criteria provided, single submitter. Criteria: ICSL Variant Classification Criteria 13 December 2019. Collection method: clinical testing. Allele origin: germline.